The following is an entry in ClinVar:

ClinVar aggregate classification (germline): Uncertain significance (1 of 4 stars; one submission).

Allele frequency attached by ClinVar (database versions not stated): gnomAD 0.00001.

Submission:

Labcorp Genetics (formerly Invitae), Labcorp
Classification: Uncertain significance. Last evaluated: 2022-11-23. Review status: criteria provided, single submitter. Criteria: Invitae Variant Classification Sherloc (09022015). Collection method: clinical testing. Allele origin: germline.
Comment: This variant has not been reported in the literature in individuals affected with NEUROD1-related conditions. This variant is not present in population databases (gnomAD no frequency). Advanced modeling of protein sequence and biophysical properties (such as structural, functional, and spatial information, amino acid conservation, physicochemical variation, residue mobility, and thermodynamic stability) performed at Invitae indicates that this missense variant is not expected to disrupt NEUROD1 protein function. In summary, the available evidence is currently insufficient to determine the role of this variant in disease. Therefore, it has been classified as a Variant of Uncertain Significance. This sequence change replaces aspartic acid, which is acidic and polar, with glutamic acid, which is acidic and polar, at codon 61 of the NEUROD1 protein (p.Asp61Glu).

NM_002500.5(NEUROD1):c.183C>G (p.Asp61Glu)

Gene: NEUROD1 (neuronal differentiation 1; minus strand). Cytogenetic location: 2q31.3.
Variant type: single nucleotide variant.
Coding change: c.183C>G on transcript NM_002500.5 (MANE Select); coding-DNA position 183, C replaced by G.
Protein change: p.Asp61Glu; replaces aspartic acid 61 with glutamic acid.
Molecular consequence: missense variant.
Genome position (GRCh38, 1-based): chr2:181,678,678, G>C on the plus strand (C>G on the coding strand, the complement: NEUROD1 is on the minus strand). VCF-style: chr2-181678678-G-C. GRCh37 (hg19) VCF-style: chr2-182543405-G-C.
Other names: short protein forms D61E.
Identifiers: ClinVar variation 2784163 (VCV002784163.3), dbSNP rs1688638868, ClinGen allele CA349787077.